The following is an entry in ClinVar:

NM_017514.5(PLXNA3):c.5044C>T (p.Arg1682Trp)

Gene: PLXNA3 (plexin A3; plus strand). Cytogenetic location: Xq28.
Variant type: single nucleotide variant.
Coding change: c.5044C>T on transcript NM_017514.5 (MANE Select); coding-DNA position 5044, C replaced by T.
Protein change: p.Arg1682Trp; replaces arginine 1682 with tryptophan.
Molecular consequence: missense variant.
Genome position (GRCh38, 1-based): chrX:154,470,499, C>T. VCF-style: chrX-154470499-C-T. GRCh37 (hg19) VCF-style: chrX-153698842-C-T.
Other names: short protein forms R1682W.
Identifiers: ClinVar variation 4985570 (VCV004985570.1).

ClinVar aggregate classification (germline): Uncertain significance (1 of 4 stars; one submission).

Conditions:
PLXNA3-related disorder. Also called: PLXNA3-related condition.

gnomAD v4.1: 20 of 1,209,808 alleles (0.0017%); highest among the groups gnomAD compares: African/African-American, 0.0069%; no homozygotes.

Submission:

PreventionGenetics, part of Exact Sciences
Classification: Uncertain significance for PLXNA3-related condition. Last evaluated: 2026-03-23. Review status: criteria provided, single submitter. Criteria: ACMG Guidelines, 2015. Collection method: clinical testing. Allele origin: germline.
Comment: The PLXNA3 c.5044C>T variant is predicted to result in the amino acid substitution p.Arg1682Trp. This variant was reported in study of individuals with autism and developmental-disability (Supplemental Table 11, Stessman et al. 2017. PubMed ID: 28191889). This variant is reported in 0.0071% of alleles in individuals of Latino descent in gnomAD. At this time, the clinical significance of this variant is uncertain due to the absence of conclusive functional and genetic evidence.